The following is an entry in ClinVar:

ClinVar aggregate classification (germline): Uncertain significance (1 of 4 stars; one submission).

Allele frequency attached by ClinVar (database versions not stated): gnomAD 0.00001; gnomAD exomes 0.00003 and 0.00006; ExAC 0.00005.
gnomAD v4.1: 42 of 1,614,042 alleles (0.0026%); highest among the groups gnomAD compares: South Asian, 0.044%; no homozygotes.

Submission:

Labcorp Genetics (formerly Invitae), Labcorp
Classification: Uncertain significance. Last evaluated: 2024-01-17. Review status: criteria provided, single submitter. Criteria: Invitae Variant Classification Sherloc (09022015). Collection method: clinical testing. Allele origin: germline.
Comment: This sequence change replaces arginine, which is basic and polar, with serine, which is neutral and polar, at codon 813 of the CEP135 protein (p.Arg813Ser). This variant is present in population databases (rs750526755, gnomAD 0.05%). This variant has not been reported in the literature in individuals affected with CEP135-related conditions. ClinVar contains an entry for this variant (Variation ID: 1350672). An algorithm developed to predict the effect of missense changes on protein structure and function (PolyPhen-2) suggests that this variant is likely to be tolerated. In summary, the available evidence is currently insufficient to determine the role of this variant in disease. Therefore, it has been classified as a Variant of Uncertain Significance.

NM_025009.5(CEP135):c.2439A>C (p.Arg813Ser)

Gene: CEP135 (centrosomal protein 135; plus strand). Cytogenetic location: 4q12.
Variant type: single nucleotide variant.
Coding change: c.2439A>C on transcript NM_025009.5 (MANE Select); coding-DNA position 2439, A replaced by C.
Protein change: p.Arg813Ser; replaces arginine 813 with serine.
Molecular consequence: missense variant.
Genome position (GRCh38, 1-based): chr4:56,009,837, A>C. VCF-style: chr4-56009837-A-C. GRCh37 (hg19) VCF-style: chr4-56876003-A-C.
Other names: short protein forms R813S.
Identifiers: ClinVar variation 1350672 (VCV001350672.8), dbSNP rs750526755, ClinGen allele CA2928157.